The following is an entry in ClinVar:

NM_005051.3(QARS1):c.96_97delinsAA (p.Leu33Met)

Genes: QARS1 (glutaminyl-tRNA synthetase 1; minus strand), LOC129936736 (ATAC-STARR-seq lymphoblastoid active region 19853; plus strand). Cytogenetic location: 3p21.31.
Variant type: Indel.
Coding change: c.96_97delinsAA on transcript NM_005051.3 (MANE Select); coding-DNA positions 96 to 97, GC replaced by AA.
Protein change: p.Leu33Met; replaces leucine 33 with methionine.
Molecular consequence: missense variant. On other transcripts: non-coding transcript variant (1).
Genome position (GRCh38, 1-based): chr3:49,104,637-49,104,638, GC replaced by TT on the plus strand (GC replaced by AA on the coding strand, the reverse complement: QARS1 is on the minus strand). VCF-style: chr3-49104637-GC-TT. GRCh37 (hg19) VCF-style: chr3-49142070-GC-TT.
Other names: c.96_97delinsAA, p.Leu33Met (NM_001272073.2); short protein forms L33M.
Identifiers: ClinVar variation 1447108 (VCV001447108.6), dbSNP rs2107114987, ClinGen allele CA2573137163.

ClinVar aggregate classification (germline): Uncertain significance (1 of 4 stars; one submission).

Conditions:
Diffuse cerebral and cerebellar atrophy - intractable seizures - progressive microcephaly syndrome. Also called: Microcephaly, progressive, with seizures and cerebral and cerebellar atrophy. Identifiers: Orphanet 404437, MedGen C4014239, MONDO:0014335, OMIM 615760.

Submission:

Labcorp Genetics (formerly Invitae), Labcorp
Classification: Uncertain significance for Diffuse cerebral and cerebellar atrophy - intractable seizures - progressive microcephaly syndrome. Last evaluated: 2024-10-05. Review status: criteria provided, single submitter. Criteria: Invitae Variant Classification Sherloc (09022015). Collection method: clinical testing. Allele origin: germline.
Comment: This sequence change replaces leucine, which is neutral and non-polar, with methionine, which is neutral and non-polar, at codon 33 of the QARS protein (p.Leu33Met). Information on the frequency of this variant in the gnomAD database is not available, as this variant may be reported differently in the database. This variant has not been reported in the literature in individuals affected with QARS-related conditions. ClinVar contains an entry for this variant (Variation ID: 1447108). Experimental studies and prediction algorithms are not available or were not evaluated, and the functional significance of this variant is currently unknown. In summary, the available evidence is currently insufficient to determine the role of this variant in disease. Therefore, it has been classified as a Variant of Uncertain Significance.